The following is an entry in ClinVar:

ClinVar aggregate classification (germline): Pathogenic (1 of 4 stars; one submission).

Submission:

Labcorp Genetics (formerly Invitae), Labcorp
Classification: Pathogenic. Last evaluated: 2022-05-25. Review status: criteria provided, single submitter. Criteria: Invitae Variant Classification Sherloc (09022015). Collection method: clinical testing. Allele origin: germline.
Comment: This sequence change creates a premature translational stop signal (p.Trp1596*) in the EYS gene. It is expected to result in an absent or disrupted protein product. Loss-of-function variants in EYS are known to be pathogenic (PMID: 18836446, 20333770). This variant is not present in population databases (gnomAD no frequency). This variant has not been reported in the literature in individuals affected with EYS-related conditions. For these reasons, this variant has been classified as Pathogenic.

Literature cited by the submitters: PubMed 18836446; PubMed 20333770.

NM_001142800.2(EYS):c.4788G>A (p.Trp1596Ter)

Gene: EYS (EGF-like photoreceptor maintenance factor; minus strand). Cytogenetic location: 6q12.
Variant type: single nucleotide variant.
Coding change: c.4788G>A on transcript NM_001142800.2 (MANE Select); coding-DNA position 4788, G replaced by A.
Protein change: p.Trp1596Ter; replaces tryptophan 1596 with a stop codon.
Molecular consequence: nonsense.
Genome position (GRCh38, 1-based): chr6:64,591,079, C>T on the plus strand (G>A on the coding strand, the complement: EYS is on the minus strand). VCF-style: chr6-64591079-C-T. GRCh37 (hg19) VCF-style: chr6-65300972-C-T.
Other names: c.4788G>A, p.Trp1596Ter (NM_001292009.2); short protein forms W1596*.
Identifiers: ClinVar variation 1998856 (VCV001998856.4), dbSNP rs764672699, ClinGen allele CA364782530.